The following is an entry in ClinVar:

ClinVar aggregate classification (germline): Uncertain significance (1 of 4 stars; one submission).

Submission:

GeneDx
Classification: Uncertain significance. Last evaluated: 2025-03-12. Review status: criteria provided, single submitter. Criteria: GeneDx Variant Classification Process June 2021. Collection method: clinical testing. Allele origin: germline. Affected: yes.
Comment: Not observed at significant frequency in large population cohorts (gnomAD); In silico analysis supports that this missense variant has a deleterious effect on protein structure/function; Has not been previously published as pathogenic or benign to our knowledge

NM_024408.4(NOTCH2):c.4879A>T (p.Ile1627Phe)

Gene: NOTCH2 (notch receptor 2; minus strand). Cytogenetic location: 1p12.
Variant type: single nucleotide variant.
Coding change: c.4879A>T on transcript NM_024408.4 (MANE Select); coding-DNA position 4879, A replaced by T.
Protein change: p.Ile1627Phe; replaces isoleucine 1627 with phenylalanine.
Molecular consequence: missense variant.
Genome position (GRCh38, 1-based): chr1:119,922,759, T>A on the plus strand (A>T on the coding strand, the complement: NOTCH2 is on the minus strand). VCF-style: chr1-119922759-T-A. GRCh37 (hg19) VCF-style: chr1-120465382-T-A.
Other names: short protein forms I1627F.
Identifiers: ClinVar variation 4083079 (VCV004083079.1).